The following is an entry in ClinVar:

NM_201384.3(PLEC):c.9200T>G (p.Ile3067Ser)

Gene: PLEC (plectin; minus strand). Cytogenetic location: 8q24.3.
Variant type: single nucleotide variant.
Coding change: c.9200T>G on transcript NM_201384.3 (MANE Select); coding-DNA position 9200, T replaced by G.
Protein change: p.Ile3067Ser; replaces isoleucine 3067 with serine.
Molecular consequence: missense variant.
Genome position (GRCh38, 1-based): chr8:143,920,621, A>C on the plus strand (T>G on the coding strand, the complement: PLEC is on the minus strand). VCF-style: chr8-143920621-A-C. GRCh37 (hg19) VCF-style: chr8-144994789-A-C.
Other names: c.9281T>G, p.Ile3094Ser (NM_000445.5); c.5900T>G, p.Ile1967Ser (NM_001410941.1); c.9158T>G, p.Ile3053Ser (NM_201378.4); c.9134T>G, p.Ile3045Ser (NM_201379.3); c.9611T>G, p.Ile3204Ser (NM_201380.4); c.9104T>G, p.Ile3035Ser (NM_201381.3); c.9200T>G, p.Ile3067Ser (NM_201382.4); c.9212T>G, p.Ile3071Ser (NM_201383.3); short protein forms I1967S, I3035S, I3045S, I3053S, I3067S, I3071S, I3094S, I3204S.
Identifiers: ClinVar variation 3252304 (VCV003252304.1), dbSNP rs2537384946.

ClinVar aggregate classification (germline): Uncertain significance (1 of 4 stars; one submission).

Submission:

GeneDx
Classification: Uncertain significance. Last evaluated: 2023-12-17. Review status: criteria provided, single submitter. Criteria: GeneDx Variant Classification Process June 2021. Collection method: clinical testing. Allele origin: germline. Affected: yes.
Comment: Not observed at significant frequency in large population cohorts (gnomAD); In silico analysis supports that this missense variant has a deleterious effect on protein structure/function; Has not been previously published as pathogenic or benign to our knowledge